The following is an entry in ClinVar:

NM_001999.4(FBN2):c.6765C>T (p.Asn2255=)

Gene: FBN2 (fibrillin 2; minus strand). Cytogenetic location: 5q23.3.
Variant type: single nucleotide variant.
Coding change: c.6765C>T on transcript NM_001999.4 (MANE Select); coding-DNA position 6765, C replaced by T.
Protein change: p.Asn2255=; no amino-acid change (asparagine 2255 retained).
Molecular consequence: synonymous variant.
Genome position (GRCh38, 1-based): chr5:128,287,423, G>A on the plus strand (C>T on the coding strand, the complement: FBN2 is on the minus strand). VCF-style: chr5-128287423-G-A. GRCh37 (hg19) VCF-style: chr5-127623115-G-A.
Identifiers: ClinVar variation 670156 (VCV000670156.8), dbSNP rs140044610, ClinGen allele CA3394307.

ClinVar aggregate classification (germline): Benign/Likely benign. Review status: criteria provided, multiple submitters, no conflicts (2 of 4 stars). 3 submissions from 3 submitters: Benign (2); Likely benign (1). Last evaluated 2025-02-16.

Conditions:
Familial thoracic aortic aneurysm and aortic dissection (TAAD). Also called: Thoracic aortic aneurysms and dissections. Identifiers: Orphanet 91387, MedGen C4707243, MONDO:0019625.
Congenital contractural arachnodactyly (CCA). Also called: BEALS SYNDROME; Arthrogryposis, distal, type 9; Beals-Hecht syndrome. Identifiers: Orphanet 115, MedGen C0220668, MONDO:0007363, OMIM 121050.

Allele frequency attached by ClinVar (database versions not stated): gnomAD below 0.00001 and 0.00003; TOPMed 0.00001; ESP Exome Variant Server 0.00008; gnomAD exomes 0.00008 and 0.00014; ExAC 0.00014; 1000 Genomes Project 30x 0.00016; 1000 Genomes Project 0.00020.
gnomAD v4.1: 114 of 1,613,790 alleles (0.0071%); highest among the groups gnomAD compares: South Asian, 0.11%; no homozygotes.

Submissions (3):

Labcorp Genetics (formerly Invitae), Labcorp
Classification: Benign for Congenital contractural arachnodactyly. Last evaluated: 2025-02-16. Review status: criteria provided, single submitter. Criteria: Invitae Variant Classification Sherloc (09022015). Collection method: clinical testing. Allele origin: germline.

Ambry Genetics
Classification: Benign for Familial thoracic aortic aneurysm and aortic dissection. Last evaluated: 2021-11-11. Review status: criteria provided, single submitter. Criteria: Ambry Variant Classification Scheme 2023. Collection method: clinical testing. Allele origin: germline.

GeneDx
Classification: Likely benign. Last evaluated: 2018-04-27. Review status: criteria provided, single submitter. Criteria: GeneDx Variant Classification (06012015). Collection method: clinical testing. Allele origin: germline. Affected: yes.
Comment: This variant is considered likely benign or benign based on one or more of the following criteria: it is a conservative change, it occurs at a poorly conserved position in the protein, it is predicted to be benign by multiple in silico algorithms, and/or has population frequency not consistent with disease.